The following is an entry in ClinVar:

NM_014727.3(KMT2B):c.7297+7G>T

Gene: KMT2B (lysine methyltransferase 2B; plus strand). Cytogenetic location: 19q13.12.
Variant type: single nucleotide variant.
Coding change: c.7297+7G>T on transcript NM_014727.3 (MANE Select); 7 bases into the intron after coding-DNA position 7297, G replaced by T.
Molecular consequence: intron variant.
Genome position (GRCh38, 1-based): chr19:35,736,834, G>T. VCF-style: chr19-35736834-G-T. GRCh37 (hg19) VCF-style: chr19-36227735-G-T.
Identifiers: ClinVar variation 748946 (VCV000748946.36), dbSNP rs201555369, ClinGen allele CA9385909.

ClinVar aggregate classification (germline): Benign/Likely benign. Review status: criteria provided, multiple submitters, no conflicts (2 of 4 stars). 4 submissions from 4 submitters: Benign (2); Likely benign (2). Last evaluated 2026-01-28.

Allele frequency attached by ClinVar (database versions not stated): TOPMed 0.00044.
gnomAD v4.1: 1,050 of 1,613,904 alleles (0.065%); highest among the groups gnomAD compares: South Asian, 0.15%; 5 homozygotes.

Submissions (4):

Labcorp Genetics (formerly Invitae), Labcorp
Classification: Benign. Last evaluated: 2026-01-28. Review status: criteria provided, single submitter. Criteria: Invitae Variant Classification Sherloc (09022015). Collection method: clinical testing. Allele origin: germline.

Blueprint Genetics
Classification: Likely benign. Last evaluated: 2024-10-23. Review status: criteria provided, single submitter. Criteria: ACMG Guidelines, 2015. Collection method: clinical testing. Allele origin: germline.

CeGaT Center for Human Genetics Tuebingen
Classification: Likely benign. Last evaluated: 2024-04-01. Review status: criteria provided, single submitter. Criteria: CeGaT Center For Human Genetics Tuebingen Variant Classification Criteria Version 2. Collection method: clinical testing. Allele origin: germline. Affected: yes. Observed: 2 variant alleles.
Comment: KMT2B: BP4, BS1

GeneDx
Classification: Benign. Last evaluated: 2020-05-30. Review status: criteria provided, single submitter. Criteria: GeneDx Variant Classification Process June 2021. Collection method: clinical testing. Allele origin: germline. Affected: yes.